The following is an entry in ClinVar:

ClinVar aggregate classification (germline): Uncertain significance (1 of 4 stars; one submission).

Conditions:
Neurodevelopmental disorder with microcephaly, seizures, and cortical atrophy. Identifiers: MedGen C4540493, MONDO:0060621, OMIM 617802.

Allele frequency attached by ClinVar (database versions not stated): ExAC 0.00001; gnomAD 0.00001; gnomAD exomes 0.00001 and 0.00004; TOPMed 0.00002.
gnomAD v4.1: 63 of 1,614,078 alleles (0.0039%); highest among the groups gnomAD compares: Non-Finnish European, 0.0053%; no homozygotes.

Submission:

Baylor Genetics
Classification: Uncertain significance for Neurodevelopmental disorder with microcephaly, seizures, and cortical atrophy. Last evaluated: 2019-07-17. Review status: criteria provided, single submitter. Criteria: ACMG Guidelines, 2015. Collection method: clinical testing. Allele origin: unknown. Affected: yes.
Comment: This variant was determined to be of uncertain significance according to ACMG Guidelines, 2015 [PMID:25741868].

NM_006295.3(VARS1):c.611T>C (p.Leu204Pro)

Genes: VARS1 (valyl-tRNA synthetase 1; minus strand), LOC126859651 (CDK7 strongly-dependent group 2 enhancer GRCh37_chr6:31759783-31760982; plus strand). Cytogenetic location: 6p21.33.
Variant type: single nucleotide variant.
Coding change: c.611T>C on transcript NM_006295.3 (MANE Select); coding-DNA position 611, T replaced by C.
Protein change: p.Leu204Pro; replaces leucine 204 with proline.
Molecular consequence: missense variant.
Genome position (GRCh38, 1-based): chr6:31,792,807, A>G on the plus strand (T>C on the coding strand, the complement: VARS1 is on the minus strand). VCF-style: chr6-31792807-A-G. GRCh37 (hg19) VCF-style: chr6-31760584-A-G.
Other names: short protein forms L204P.
Identifiers: ClinVar variation 1029032 (VCV001029032.1), dbSNP rs759266212, ClinGen allele CA3723523.
Genomic context (GRCh38, chr6:31,792,807, plus strand): 5'-CCTTCCTCACCTGGCTGATGAGAGAGAGGCCTGGCTCCTGAGTATAGAACCACTTCTCCT[A>G]GCACGGCTCGGAATTCTGGCTGCCGGACACACGTGACAAACCAGCGAGTCACATTATTCC-3'
Protein context (NP_006286.1, residues 194-214): CVRQPEFRAV[Leu204Pro]GEVVLYSGAR